The following is an entry in ClinVar:

NM_000289.6(PFKM):c.541G>C (p.Ala181Pro)

Gene: PFKM (phosphofructokinase, muscle; plus strand). Cytogenetic location: 12q13.11.
Variant type: single nucleotide variant.
Coding change: c.541G>C on transcript NM_000289.6 (MANE Select); coding-DNA position 541, G replaced by C.
Protein change: p.Ala181Pro; replaces alanine 181 with proline.
Molecular consequence: missense variant. On other transcripts: non-coding transcript variant (6).
Genome position (GRCh38, 1-based): chr12:48,133,428, G>C. VCF-style: chr12-48133428-G-C. GRCh37 (hg19) VCF-style: chr12-48527211-G-C.
Other names: c.541G>C, p.Ala181Pro (NM_001166688.2, NM_001354742.2, NM_001166687.2 and 4 more transcripts); c.850G>C, p.Ala284Pro (NM_001354735.1, NM_001354736.1); c.754G>C, p.Ala252Pro (NM_001354737.1, NM_001354738.1, NM_001354739.1 and 2 more transcripts); c.685G>C, p.Ala229Pro (NM_001354740.1); c.565G>C, p.Ala189Pro (NM_001354741.2); c.454G>C, p.Ala152Pro (NM_001354745.2); c.391G>C, p.Ala131Pro (NM_001354747.2, NM_001354748.2); short protein forms A181P, A152P, A229P, A131P, A189P, A252P, A284P.
Identifiers: ClinVar variation 5026479 (VCV005026479.1).

ClinVar aggregate classification (germline): Uncertain significance (1 of 4 stars; one submission).

Conditions:
Inborn genetic diseases. Identifiers: MedGen C0950123, MeSH D030342.

gnomAD v4.1: 3 of 1,614,012 alleles (0.00019%); highest among the groups gnomAD compares: Non-Finnish European, 0.00025%; no homozygotes.

Submission:

Ambry Genetics
Classification: Uncertain significance for Inborn genetic diseases. Last evaluated: 2026-07-14. Review status: criteria provided, single submitter. Criteria: Ambry Variant Classification Scheme 2023. Collection method: clinical testing. Allele origin: germline.
Comment: The c.541G>C (p.A181P) alteration is located in exon 6 (coding exon 5) of the PFKM gene. This alteration results from a G to C substitution at nucleotide position 541, causing the alanine (A) at amino acid position 181 to be replaced by a proline (P). Based on data from gnomAD, the C allele has an overall frequency of 0.003% (1/31390) total alleles studied. The highest observed frequency was 0.007% (1/15424) of European (non-Finnish) alleles. Based on insufficient or conflicting evidence, the clinical significance of this alteration remains unclear.